The following is an entry in ClinVar:

NM_001365902.3(NFIX):c.1384T>A (p.Leu462Met)

Gene: NFIX (nuclear factor I X; plus strand). Cytogenetic location: 19p13.13.
Variant type: single nucleotide variant.
Coding change: c.1384T>A on transcript NM_001365902.3 (MANE Select); coding-DNA position 1384, T replaced by A.
Protein change: p.Leu462Met; replaces leucine 462 with methionine.
Molecular consequence: missense variant. On other transcripts: intron variant (6).
Genome position (GRCh38, 1-based): chr19:13,088,118, T>A. VCF-style: chr19-13088118-T-A. GRCh37 (hg19) VCF-style: chr19-13198932-T-A.
Other names: c.1408T>A, p.Leu470Met (NM_001271043.2); c.1381T>A, p.Leu461Met (NM_001365984.2); c.1360T>A, p.Leu454Met (NM_001378404.1); c.1432T>A, p.Leu478Met (NM_001378405.1); c.1237T>A, p.Leu413Met (NM_001440616.1); c.1255-2181T>A (NM_002501.4); c.1132-2181T>A (NM_001365982.2); c.1231-2181T>A (NM_001271044.3); and 3 more; short protein forms L413M, L454M, L461M, L462M, L470M, L478M.
Identifiers: ClinVar variation 4082951 (VCV004082951.1).
Genomic context (GRCh38, chr19:13,088,118, plus strand): 5'-CCTGTGCCCCTTCCTATGCCTGATTCCAAATCCACCAGCACTGCCCCAGACGGCGCCGCC[T>A]TGACTCCTCCATCACCTTGTAAGTGGACGATGAAACCGAAACCACAACGCCCAGCGTCCC-3'
Protein context (NP_001352831.1, residues 452-472): STSTAPDGAA[Leu462Met]TPPSPSFATT

ClinVar aggregate classification (germline): Uncertain significance (1 of 4 stars; one submission).

Submission:

GeneDx
Classification: Uncertain significance. Last evaluated: 2025-03-06. Review status: criteria provided, single submitter. Criteria: GeneDx Variant Classification Process June 2021. Collection method: clinical testing. Allele origin: germline. Affected: yes.
Comment: Not observed at significant frequency in large population cohorts (gnomAD); In silico analysis supports that this missense variant has a deleterious effect on protein structure/function; Has not been previously published as pathogenic or benign to our knowledge; This variant is associated with the following publications: (PMID: 22982744)